The following is an entry in ClinVar:

NM_001261826.3(AP3D1):c.3474T>C (p.Val1158=)

Gene: AP3D1 (adaptor related protein complex 3 subunit delta 1; minus strand). Cytogenetic location: 19p13.3.
Variant type: single nucleotide variant.
Coding change: c.3474T>C on transcript NM_001261826.3 (MANE Select); coding-DNA position 3474, T replaced by C.
Protein change: p.Val1158=; no amino-acid change (valine 1158 retained).
Molecular consequence: synonymous variant.
Genome position (GRCh38, 1-based): chr19:2,108,765, A>G on the plus strand (T>C on the coding strand, the complement: AP3D1 is on the minus strand). VCF-style: chr19-2108765-A-G. GRCh37 (hg19) VCF-style: chr19-2108764-A-G.
Other names: p.Val1158=; c.3438T>C, p.Val1146= (NM_001374799.1); c.3288T>C, p.Val1096= (NM_003938.8); c.3474T>C (NM_001261826.1).
Identifiers: ClinVar variation 1625143 (VCV001625143.12), dbSNP rs772395600, ClinGen allele CA9058355.

ClinVar aggregate classification (germline): Likely benign. Review status: criteria provided, multiple submitters, no conflicts (2 of 4 stars). 4 submissions from 4 submitters: Likely benign (3). 1 of the submissions does not count toward it. Last evaluated 2025-09-07.

Conditions:
AP3D1-related disorder. Also called: AP3D1-related condition.

Allele frequency attached by ClinVar (database versions not stated): gnomAD 0.00003; TOPMed 0.00004; gnomAD exomes 0.00005 and 0.00007; ExAC 0.00012.

Submissions (4):

Labcorp Genetics (formerly Invitae), Labcorp
Classification: Likely benign. Last evaluated: 2025-09-07. Review status: criteria provided, single submitter. Criteria: Invitae Variant Classification Sherloc (09022015). Collection method: clinical testing. Allele origin: germline.

Mayo Clinic Laboratories, Mayo Clinic
Classification: Likely benign. Last evaluated: 2025-05-21. Review status: criteria provided, single submitter. Criteria: ACMG Guidelines, 2015. Collection method: clinical testing. Allele origin: germline. Observed: 1 variant allele.
Comment: BP4, BP7

Blueprint Genetics
Classification: Likely benign. Last evaluated: 2024-08-19. Review status: criteria provided, single submitter. Criteria: ACMG Guidelines, 2015. Collection method: clinical testing. Allele origin: germline.

PreventionGenetics, part of Exact Sciences
Classification: Likely benign for AP3D1-related condition. Last evaluated: 2019-08-05. Review status: no assertion criteria provided. Collection method: clinical testing. Allele origin: germline. Not counted in ClinVar's aggregate classification.
Comment: This variant is classified as likely benign based on ACMG/AMP sequence variant interpretation guidelines (Richards et al. 2015 PMID: 25741868, with internal and published modifications).